The following is an entry in ClinVar:

ClinVar aggregate classification (germline): Uncertain significance (1 of 4 stars; one submission).

Conditions:
Baller-Gerold syndrome (BGS). Also called: CRANIOSYNOSTOSIS WITH RADIAL DEFECTS. Identifiers: Orphanet 1225, MedGen C0265308, MONDO:0009039, OMIM 218600.

gnomAD v4.1: 1 of 1,600,668 alleles (0.000062%); highest among the groups gnomAD compares: Non-Finnish European, 0.000085%; no homozygotes.

Submission:

Labcorp Genetics (formerly Invitae), Labcorp
Classification: Uncertain significance for Baller-Gerold syndrome. Last evaluated: 2025-12-13. Review status: criteria provided, single submitter. Criteria: Invitae Variant Classification Sherloc (09022015). Collection method: clinical testing. Allele origin: germline.
Comment: This sequence change replaces proline, which is neutral and non-polar, with leucine, which is neutral and non-polar, at codon 73 of the RECQL4 protein (p.Pro73Leu). This variant is not present in population databases (gnomAD no frequency). This variant has not been reported in the literature in individuals affected with RECQL4-related conditions. ClinVar contains an entry for this variant (Variation ID: 3023098). An algorithm developed to predict the effect of missense changes on protein structure and function outputs the following: PolyPhen-2: "Not Available". The leucine amino acid residue is found in multiple mammalian species, which suggests that this missense change does not adversely affect protein function. In summary, the available evidence is currently insufficient to determine the role of this variant in disease. Therefore, it has been classified as a Variant of Uncertain Significance.

NM_004260.4(RECQL4):c.218C>T (p.Pro73Leu)

Gene: RECQL4 (RecQ like helicase 4; minus strand). Cytogenetic location: 8q24.3.
Variant type: single nucleotide variant.
Coding change: c.218C>T on transcript NM_004260.4 (MANE Select); coding-DNA position 218, C replaced by T.
Protein change: p.Pro73Leu; replaces proline 73 with leucine.
Molecular consequence: missense variant. On other transcripts: 5 prime UTR variant (17), non-coding transcript variant (3).
Genome position (GRCh38, 1-based): chr8:144,517,186, G>A on the plus strand (C>T on the coding strand, the complement: RECQL4 is on the minus strand). VCF-style: chr8-144517186-G-A. GRCh37 (hg19) VCF-style: chr8-145742570-G-A.
Other names: c.218C>T, p.Pro73Leu (NM_001413017.1, NM_001413018.1, NM_001413019.1 and 5 more transcripts); c.-503C>T (NM_001413021.1); c.-854C>T (NM_001413022.1, NM_001413023.1, NM_001413037.1 and 3 more transcripts); c.-751C>T (NM_001413024.1, NM_001413035.1); c.89C>T, p.Pro30Leu (NM_001413025.1); c.-916C>T (NM_001413027.1, NM_001413030.1, NM_001413031.1 and 1 more transcripts); c.-579C>T (NM_001413028.1); c.-813C>T (NM_001413032.1); and 2 more; short protein forms P30L, P73L.
Identifiers: ClinVar variation 3023098 (VCV003023098.3), dbSNP rs1815256853, ClinGen allele CA372692384.